The following is an entry in ClinVar:

ClinVar aggregate classification (germline): Uncertain significance (1 of 4 stars; one submission).

Conditions:
Inborn genetic diseases. Identifiers: MedGen C0950123, MeSH D030342.

Submission:

Ambry Genetics
Classification: Uncertain significance for Inborn genetic diseases. Last evaluated: 2024-04-22. Review status: criteria provided, single submitter. Criteria: Ambry Variant Classification Scheme 2023. Collection method: clinical testing. Allele origin: germline.
Comment: The p.V495I variant (also known as c.1483G>A), located in coding exon 6 of the ATR gene, results from a G to A substitution at nucleotide position 1483. The valine at codon 495 is replaced by isoleucine, an amino acid with highly similar properties. This amino acid position is conserved. In addition, this alteration is predicted to be tolerated by in silico analysis. Based on the available evidence, the clinical significance of this variant remains unclear.

NM_001184.4(ATR):c.1483G>A (p.Val495Ile)

Gene: ATR (ATR serine/threonine kinase; minus strand). Cytogenetic location: 3q23.
Variant type: single nucleotide variant.
Coding change: c.1483G>A on transcript NM_001184.4 (MANE Select); coding-DNA position 1483, G replaced by A.
Protein change: p.Val495Ile; replaces valine 495 with isoleucine.
Molecular consequence: missense variant. On other transcripts: intron variant (1).
Genome position (GRCh38, 1-based): chr3:142,560,321, C>T on the plus strand (G>A on the coding strand, the complement: ATR is on the minus strand). VCF-style: chr3-142560321-C-T. GRCh37 (hg19) VCF-style: chr3-142279163-C-T.
Other names: c.1350-880G>A (NM_001354579.2); short protein forms V495I.
Identifiers: ClinVar variation 3331683 (VCV003331683.1).